The following is an entry in ClinVar:

ClinVar aggregate classification (germline): Pathogenic (1 of 4 stars; one submission).

Conditions:
KBG syndrome (KBGS). Also called: ANKRD11-Related KBG Syndrome. Identifiers: Orphanet 2332, MedGen C0220687, MONDO:0007846, OMIM 148050.

Submission:

Institute of Human Genetics, University of Leipzig Medical Center
Classification: Pathogenic for KBG syndrome. Last evaluated: 2019-01-01. Review status: criteria provided, single submitter. Criteria: ACMG Guidelines, 2015. Collection method: clinical testing. Allele origin: de novo. Affected: yes.
Comment: This variant was identified as de novo.

NM_013275.6(ANKRD11):c.5438_5439insT (p.Gln1813fs)

Gene: ANKRD11 (ankyrin repeat domain 11; minus strand). Cytogenetic location: 16q24.3.
Variant type: Insertion.
Coding change: c.5438_5439insT on transcript NM_013275.6 (MANE Select); coding-DNA positions 5438 to 5439, T inserted.
Protein change: p.Gln1813fs; shifts the reading frame from glutamine 1813.
Molecular consequence: frameshift variant.
Genome position: GRCh38 VCF-style: chr16-89281103-C-CA. GRCh37 (hg19) VCF-style: chr16-89347511-C-CA.
Other names: c.5438_5439insT, p.Gln1813fs (NM_001256182.2, NM_001256183.2); short protein forms Q1813fs.
Identifiers: ClinVar variation 983133 (VCV000983133.1), dbSNP rs2034195455, ClinGen allele CA1139664917.